The following is an entry in ClinVar:

ClinVar aggregate classification (germline): Uncertain significance. Review status: criteria provided, multiple submitters, no conflicts (2 of 4 stars). 3 submissions from 3 submitters: Uncertain significance (3). Last evaluated 2025-08-01.

Conditions:
Ataxia-telangiectasia syndrome (AT). Also called: Cerebello-oculocutaneous telangiectasia; Immunodeficiency with ataxia telangiectasia; ATAXIA-TELANGIECTASIA, COMPLEMENTATION GROUP A; ATAXIA-TELANGIECTASIA, FRESNO VARIANT; Ataxia-telangiectasia, complementation group E; LOUIS-BAR SYNDROME. Identifiers: Orphanet 100, MedGen C0004135, MONDO:0008840, OMIM 208900.
Hereditary cancer-predisposing syndrome. Also called: Neoplastic Syndromes, Hereditary; Hereditary Cancer Syndrome; Tumor predisposition; Hereditary neoplastic syndrome. Identifiers: Orphanet 140162, MedGen C0027672, MeSH D009386, MONDO:0015356.

Submissions (3):

Ambry Genetics
Classification: Uncertain significance for Hereditary cancer-predisposing syndrome. Last evaluated: 2025-08-01. Review status: criteria provided, single submitter. Criteria: Ambry Variant Classification Scheme 2023. Collection method: clinical testing. Allele origin: germline.
Comment: The p.S381N variant (also known as c.1142G>A), located in coding exon 8 of the ATM gene, results from a G to A substitution at nucleotide position 1142. The serine at codon 381 is replaced by asparagine, an amino acid with highly similar properties. This amino acid position is not well conserved in available vertebrate species. In addition, this alteration is predicted to be tolerated by in silico analysis. Since supporting evidence is limited at this time, the clinical significance of this alteration remains unclear.

Color Diagnostics, LLC DBA Color Health
Classification: Uncertain significance for Hereditary cancer-predisposing syndrome. Last evaluated: 2024-03-07. Review status: criteria provided, single submitter. Criteria: ACMG Guidelines, 2015. Collection method: clinical testing. Allele origin: germline.
Comment: This missense variant replaces serine with asparagine at codon 381 of the ATM protein. Computational prediction suggests that this variant may not impact protein structure and function (internally defined REVEL score threshold <= 0.5, PMID: 27666373). To our knowledge, functional studies have not been reported for this variant. This variant has not been reported in individuals affected with hereditary cancer in the literature. This variant has not been identified in the general population by the Genome Aggregation Database (gnomAD). The available evidence is insufficient to determine the role of this variant in disease conclusively. Therefore, this variant is classified as a Variant of Uncertain Significance.

Labcorp Genetics (formerly Invitae), Labcorp
Classification: Uncertain significance for Ataxia-telangiectasia syndrome. Last evaluated: 2023-08-19. Review status: criteria provided, single submitter. Criteria: Invitae Variant Classification Sherloc (09022015). Collection method: clinical testing. Allele origin: germline.
Comment: In summary, the available evidence is currently insufficient to determine the role of this variant in disease. Therefore, it has been classified as a Variant of Uncertain Significance. Algorithms developed to predict the effect of missense changes on protein structure and function output the following: SIFT: "Not Available"; PolyPhen-2: "Benign"; Align-GVGD: "Not Available". The asparagine amino acid residue is found in multiple mammalian species, which suggests that this missense change does not adversely affect protein function. ClinVar contains an entry for this variant (Variation ID: 1514204). This variant has not been reported in the literature in individuals affected with ATM-related conditions. This variant is not present in population databases (gnomAD no frequency). This sequence change replaces serine, which is neutral and polar, with asparagine, which is neutral and polar, at codon 381 of the ATM protein (p.Ser381Asn).

NM_000051.4(ATM):c.1142G>A (p.Ser381Asn)

Gene: ATM (ATM serine/threonine kinase; plus strand). Cytogenetic location: 11q22.3.
Variant type: single nucleotide variant.
Coding change: c.1142G>A on transcript NM_000051.4 (MANE Select); coding-DNA position 1142, G replaced by A.
Protein change: p.Ser381Asn; replaces serine 381 with asparagine.
Molecular consequence: missense variant.
Genome position (GRCh38, 1-based): chr11:108,249,009, G>A. VCF-style: chr11-108249009-G-A. GRCh37 (hg19) VCF-style: chr11-108119736-G-A.
Other names: c.1142G>A, p.Ser381Asn (NM_001351834.2); short protein forms S381N.
Identifiers: ClinVar variation 1514204 (VCV001514204.13), dbSNP rs1462596554, ClinGen allele CA382532468.